The following is an entry in ClinVar:

ClinVar aggregate classification (germline): Likely pathogenic (1 of 4 stars; one submission).

Conditions:
Biotinidase deficiency. Also called: BTD deficiency; Late-onset biotin-responsive multiple carboxylase deficiency; Biotin deficiency. Identifiers: Orphanet 79241, MedGen C0220754, MONDO:0009665, OMIM 253260.

Submission:

Natera, Inc.
Classification: Likely pathogenic for Biotinidase deficiency. Last evaluated: 2024-09-26. Review status: criteria provided, single submitter. Criteria: Natera Variant Classification Schema (03/2026). Collection method: clinical testing. Allele origin: germline.
Comment: The c.836T>A variant in BTD is a nonsense variant predicted to introduce a stop codon at amino acid 279. This variant is expected to result in nonsense mediated decay, truncation, or a dysfunctional protein product. This variant is rare in the general population with a frequency below the threshold expected for the associated phenotype(s). Given the available evidence, this variant is classified as Likely Pathogenic.

NM_000060.4:c.836T>A

Variant type: single nucleotide variant.
Other names: c.836T>A (NM_000060.4).
Identifiers: ClinVar variation 4816054 (VCV004816054.1).